The following is an entry in ClinVar:

ClinVar aggregate classification (germline): Uncertain significance (1 of 4 stars; one submission).

Conditions:
Congenital hyperammonemia, type I. Also called: CPS I DEFICIENCY; Carbamoyl-phosphate synthase I deficiency; Carbamoyl phosphate synthetase I deficiency disease; Carbamoyl phosphate synthetase 1 deficiency; Hyperammonemia due to carbamoyl phosphate synthetase 1 deficiency; CPS 1 deficiency. Identifiers: Orphanet 147, MedGen C4082171, MONDO:0009376, OMIM 237300.

gnomAD v4.1: 30 of 1,611,498 alleles (0.0019%); highest among the groups gnomAD compares: African/African-American, 0.004%; no homozygotes.

Submission:

Labcorp Genetics (formerly Invitae), Labcorp
Classification: Uncertain significance for Congenital hyperammonemia, type I. Last evaluated: 2025-02-26. Review status: criteria provided, single submitter. Criteria: Invitae Variant Classification Sherloc (09022015). Collection method: clinical testing. Allele origin: germline.
Comment: This sequence change replaces histidine, which is basic and polar, with arginine, which is basic and polar, at codon 974 of the CPS1 protein (p.His974Arg). This variant is present in population databases (rs753910222, gnomAD 0.009%). This variant has not been reported in the literature in individuals affected with CPS1-related conditions. Invitae Evidence Modeling of protein sequence and biophysical properties (such as structural, functional, and spatial information, amino acid conservation, physicochemical variation, residue mobility, and thermodynamic stability) indicates that this missense variant is not expected to disrupt CPS1 protein function with a negative predictive value of 95%. In summary, the available evidence is currently insufficient to determine the role of this variant in disease. Therefore, it has been classified as a Variant of Uncertain Significance.

NM_001875.5(CPS1):c.2921A>G (p.His974Arg)

Gene: CPS1 (carbamoyl-phosphate synthase 1; plus strand). Cytogenetic location: 2q34.
Variant type: single nucleotide variant.
Coding change: c.2921A>G on transcript NM_001875.5 (MANE Select); coding-DNA position 2921, A replaced by G.
Protein change: p.His974Arg; replaces histidine 974 with arginine.
Molecular consequence: missense variant. On other transcripts: non-coding transcript variant (2).
Genome position (GRCh38, 1-based): chr2:210,640,021, A>G. VCF-style: chr2-210640021-A-G. GRCh37 (hg19) VCF-style: chr2-211504745-A-G.
Other names: c.2921A>G, p.His974Arg (NM_001122633.3, NM_001369257.1); c.2954A>G, p.His985Arg (NM_001369256.1); short protein forms H974R, H985R.
Identifiers: ClinVar variation 4802101 (VCV004802101.1).